The following is an entry in ClinVar:

NM_005560.6(LAMA5):c.6226G>T (p.Ala2076Ser)

Gene: LAMA5 (laminin subunit alpha 5; minus strand). Cytogenetic location: 20q13.33.
Variant type: single nucleotide variant.
Coding change: c.6226G>T on transcript NM_005560.6 (MANE Select); coding-DNA position 6226, G replaced by T.
Protein change: p.Ala2076Ser; replaces alanine 2076 with serine.
Molecular consequence: missense variant.
Genome position (GRCh38, 1-based): chr20:62,322,389, C>A on the plus strand (G>T on the coding strand, the complement: LAMA5 is on the minus strand). VCF-style: chr20-62322389-C-A. GRCh37 (hg19) VCF-style: chr20-60897445-C-A.
Other names: c.6226G>T (NM_005560.3); short protein forms A2076S.
Identifiers: ClinVar variation 599493 (VCV000599493.5), dbSNP rs368328748, ClinGen allele CA9941840.

ClinVar aggregate classification (germline): Uncertain significance. Review status: criteria provided, multiple submitters, no conflicts (2 of 4 stars). 3 submissions from 3 submitters: Uncertain significance (2). 1 of the submissions does not count toward it. Last evaluated 2025-10-02.

Conditions:
Inborn genetic diseases. Identifiers: MedGen C0950123, MeSH D030342.
Short stature. Identifiers: MedGen C0349588, HP:0004322.

Allele frequency attached by ClinVar (database versions not stated): ESP Exome Variant Server 0.00008; gnomAD 0.00006; TOPMed 0.00002.
gnomAD v4.1: 53 of 1,591,754 alleles (0.0033%); highest among the groups gnomAD compares: Middle Eastern, 0.066%; no homozygotes.

Submissions (3):

Ambry Genetics
Classification: Uncertain significance for Inborn genetic diseases. Last evaluated: 2025-10-02. Review status: criteria provided, single submitter. Criteria: Ambry Variant Classification Scheme 2023. Collection method: clinical testing. Allele origin: germline.
Comment: The c.6226G>T (p.A2076S) alteration is located in exon 47 (coding exon 47) of the LAMA5 gene. This alteration results from a G to T substitution at nucleotide position 6226, causing the alanine (A) at amino acid position 2076 to be replaced by a serine (S). Based on data from gnomAD, the T allele has an overall frequency of 0.004% (10/238886) total alleles studied. The highest observed frequency was 0.008% (8/106294) of European (non-Finnish) alleles. Based on insufficient or conflicting evidence, the clinical significance of this alteration remains unclear.

Breakthrough Genomics
Classification: Uncertain significance. Review status: criteria provided, single submitter. Criteria: ACMG Guidelines, 2015. Collection method: not provided. Allele origin: germline. Inheritance: Autosomal dominant inheritance. Affected: yes.

Institute of Human Genetics, FAU Erlangen, Friedrich-Alexander-Universität Erlangen-Nürnberg
Classification: Uncertain significance for Short stature. Last evaluated: 2001-11-18. Review status: no assertion criteria provided. Collection method: case-control. Allele origin: germline. Affected: yes. Not counted in ClinVar's aggregate classification.